The following is an entry in ClinVar:

ClinVar aggregate classification (germline): Uncertain significance (1 of 4 stars; one submission).

Conditions:
Gnathodiaphyseal dysplasia (GDD). Also called: GNATHODIAPHYSEAL SCLEROSIS; OSTEOGENESIS IMPERFECTA WITH UNUSUAL SKELETAL LESIONS. Identifiers: Orphanet 53697, MedGen C1833736, MONDO:0008151, OMIM 166260.
Autosomal recessive limb-girdle muscular dystrophy type 2L (LGMDR12). Also called: Limb-girdle muscular dystrophy, type 2L; MUSCULAR DYSTROPHY, LIMB-GIRDLE, AUTOSOMAL RECESSIVE 12; Limb-Girdle Muscular Dystrophy R12 Anoctamin-5-Related (LGMD-R12). Identifiers: Orphanet 206549, MedGen C1969785, MONDO:0012652, OMIM 611307.

gnomAD v4.1: 1 of 1,581,060 alleles (0.000063%); highest among the groups gnomAD compares: East Asian, 0.0022%; no homozygotes.

Submission:

Labcorp Genetics (formerly Invitae), Labcorp
Classification: Uncertain significance for Autosomal recessive limb-girdle muscular dystrophy type 2L; Gnathodiaphyseal dysplasia. Last evaluated: 2025-12-24. Review status: criteria provided, single submitter. Criteria: Invitae Variant Classification Sherloc (09022015). Collection method: clinical testing. Allele origin: germline.
Comment: This sequence change replaces tyrosine, which is neutral and polar, with cysteine, which is neutral and slightly polar, at codon 295 of the ANO5 protein (p.Tyr295Cys). This variant is not present in population databases (gnomAD no frequency). This variant has not been reported in the literature in individuals affected with ANO5-related conditions. Invitae Evidence Modeling of protein sequence and biophysical properties (such as structural, functional, and spatial information, amino acid conservation, physicochemical variation, residue mobility, and thermodynamic stability) indicates that this missense variant is expected to disrupt ANO5 protein function with a positive predictive value of 95%. In summary, the available evidence is currently insufficient to determine the role of this variant in disease. Therefore, it has been classified as a Variant of Uncertain Significance.

NM_213599.3(ANO5):c.884A>G (p.Tyr295Cys)

Gene: ANO5 (anoctamin 5; plus strand). Cytogenetic location: 11p14.3.
Variant type: single nucleotide variant.
Coding change: c.884A>G on transcript NM_213599.3 (MANE Select); coding-DNA position 884, A replaced by G.
Protein change: p.Tyr295Cys; replaces tyrosine 295 with cysteine.
Molecular consequence: missense variant.
Genome position (GRCh38, 1-based): chr11:22,250,242, A>G. VCF-style: chr11-22250242-A-G. GRCh37 (hg19) VCF-style: chr11-22271788-A-G.
Other names: c.881A>G, p.Tyr294Cys (NM_001142649.2); c.842A>G, p.Tyr281Cys (NM_001410963.1, NM_001441300.1); c.839A>G, p.Tyr280Cys (NM_001410964.1, NM_001441301.1); c.806A>G, p.Tyr269Cys (NM_001441294.1); c.803A>G, p.Tyr268Cys (NM_001441295.1); c.791A>G, p.Tyr264Cys (NM_001441296.1, NM_001441302.1); c.764A>G, p.Tyr255Cys (NM_001441297.1); c.728A>G, p.Tyr243Cys (NM_001441298.1); and 1 more; short protein forms Y243C, Y294C, Y295C, Y242C, Y280C, Y281C, Y255C, Y268C.
Identifiers: ClinVar variation 4787537 (VCV004787537.1).
Genomic context (GRCh38, chr11:22,250,242, plus strand): 5'-CTCCAGACTATAACATTCTTCCATATTCTGATTCTGTTTTTACTCTTTTTCACAGGAATT[A>G]TTATGGAGAAAAAATTGGTATCTATTTTGTCTTTCTTGGATTTTACACAGAAATGCTATT-3'
Protein context (NP_998764.1, residues 285-305): KEQPLDLIKN[Tyr295Cys]YGEKIGIYFV